The following is an entry in ClinVar:

ClinVar aggregate classification (germline): Uncertain significance (1 of 4 stars; one submission).

Conditions:
Dilated cardiomyopathy 1CC (CMD1CC). Identifiers: Orphanet 154, MedGen C2751084, MONDO:0013147, OMIM 613122.

gnomAD v4.1: 4 of 1,613,760 alleles (0.00025%); highest among the groups gnomAD compares: South Asian, 0.0022%; no homozygotes.

Submission:

Victorian Clinical Genetics Services, Murdoch Childrens Research Institute
Classification: Uncertain significance for Dilated cardiomyopathy 1CC. Last evaluated: 2024-10-10. Review status: criteria provided, single submitter. Criteria: ACMG Guidelines, 2015. Collection method: clinical testing. Allele origin: germline. Inheritance: Autosomal dominant inheritance. Affected: yes.
Comment: Based on the classification scheme VCGS_Germline_v1.3.5, this variant is classified as VUS-3C. Following criteria are met: 0105 - The mechanism of disease for this gene is not clearly established. However, functional studies have suggested both dominant negative or loss of function mechanisms (PMID: 19881492, 20970104, 32814711). (I) 0108 - This gene is associated with both recessive and dominant disease. Autosomal recessive inheritance leads to a severe early onset phenotype, while autosomal dominant inheritance causes a later onset phenotype (PMID: 32058062, 33949776, 37209000). (I) 0115 - Variants in this gene are known to have variable expressivity. Intrafamilial variability has been observed (PMID: 35166435). (I) 0200 - Variant is predicted to result in a missense amino acid change from asparagine to serine. (I) 0251 - This variant is heterozygous. (I) 0304 - Variant is present in gnomAD (v4) <0.001 (4 heterozygotes, 0 homozygotes). (SP) 0503 - Missense variant consistently predicted to be tolerated by multiple in silico tools or not conserved in placental mammals with a minor amino acid change. (SB) 0604 - Variant is not located in an established domain, motif, hotspot or informative constraint region. (I) 0710 - Another missense variant comparable to the one identified in this case has inconclusive previous evidence for pathogenicity. p.(Asn512Ile) has a single VUS report in ClinVar. (I) 0807 - This variant has no previous evidence of pathogenicity. (I) 0905 - No published segregation evidence has been identified for this variant. (I) 1007 - No published functional evidence has been identified for this variant. (I) 1208 - Inheritance information for this variant is not currently available in this individual. (I) Legend: (SP) - Supporting pathogenic, (I) - Information, (SB) - Supporting benign

Literature cited by the submitters: PubMed 19881492; PubMed 20970104; PubMed 32058062; PubMed 32814711; PubMed 33949776; PubMed 35166435; PubMed 37209000.

NM_144573.4(NEXN):c.1535A>G (p.Asn512Ser)

Gene: NEXN (nexilin F-actin binding protein; plus strand). Cytogenetic location: 1p31.1.
Variant type: single nucleotide variant.
Coding change: c.1535A>G on transcript NM_144573.4 (MANE Select); coding-DNA position 1535, A replaced by G.
Protein change: p.Asn512Ser; replaces asparagine 512 with serine.
Molecular consequence: missense variant.
Genome position (GRCh38, 1-based): chr1:77,942,084, A>G. VCF-style: chr1-77942084-A-G. GRCh37 (hg19) VCF-style: chr1-78407769-A-G.
Other names: c.1343A>G, p.Asn448Ser (NM_001172309.2); short protein forms N448S, N512S.
Identifiers: ClinVar variation 3376985 (VCV003376985.1).